The following is an entry in ClinVar:

ClinVar aggregate classification (germline): Uncertain significance (1 of 4 stars; one submission).

gnomAD v4.1: 2 of 1,613,990 alleles (0.00012%); highest among the groups gnomAD compares: African/African-American, 0.0027%; no homozygotes.

Submission:

GeneDx
Classification: Uncertain significance. Last evaluated: 2023-12-09. Review status: criteria provided, single submitter. Criteria: GeneDx Variant Classification Process June 2021. Collection method: clinical testing. Allele origin: germline. Affected: yes.
Comment: Not observed at significant frequency in large population cohorts (gnomAD); In silico analysis supports that this missense variant does not alter protein structure/function; Has not been previously published as pathogenic or benign to our knowledge

NM_015506.3(MMACHC):c.322C>T (p.His108Tyr)

Gene: MMACHC (metabolism of cobalamin associated C; plus strand). Cytogenetic location: 1p34.1.
Variant type: single nucleotide variant.
Coding change: c.322C>T on transcript NM_015506.3 (MANE Select); coding-DNA position 322, C replaced by T.
Protein change: p.His108Tyr; replaces histidine 108 with tyrosine.
Molecular consequence: missense variant.
Genome position (GRCh38, 1-based): chr1:45,508,257, C>T. VCF-style: chr1-45508257-C-T. GRCh37 (hg19) VCF-style: chr1-45973929-C-T.
Other names: c.151C>T, p.His51Tyr (NM_001330540.2); short protein forms H108Y, H51Y.
Identifiers: ClinVar variation 3365436 (VCV003365436.1).
Genomic context (GRCh38, chr1:45,508,257, plus strand): 5'-TGTCCACTGTTCCAGAGCCTCCCAGAGCTGCAGATAGAAATCATTGCTGACTACGAGGTG[C>T]ACCCCAACCGACGCCCCAAGATCCTGGCCCAGACAGCAGCCCATGTAGCTGGGGCTGCTT-3'
Protein context (NP_056321.2, residues 98-118): QIEIIADYEV[His108Tyr]PNRRPKILAQ